The following is an entry in ClinVar:

ClinVar aggregate classification (germline): Uncertain significance (1 of 4 stars; one submission).

Submission:

GeneDx
Classification: Uncertain significance. Last evaluated: 2025-06-08. Review status: criteria provided, single submitter. Criteria: GeneDx Variant Classification Process June 2021. Collection method: clinical testing. Allele origin: germline. Affected: yes.
Comment: Not observed at significant frequency in large population cohorts (gnomAD); In silico analysis supports that this missense variant has a deleterious effect on protein structure/function; Has not been previously published as pathogenic or benign to our knowledge

NM_001375524.1(TRRAP):c.1636T>C (p.Cys546Arg)

Gene: TRRAP (transformation/transcription domain associated protein; plus strand). Cytogenetic location: 7q22.1.
Variant type: single nucleotide variant.
Coding change: c.1636T>C on transcript NM_001375524.1 (MANE Select); coding-DNA position 1636, T replaced by C.
Protein change: p.Cys546Arg; replaces cysteine 546 with arginine.
Molecular consequence: missense variant.
Genome position (GRCh38, 1-based): chr7:98,910,341, T>C. VCF-style: chr7-98910341-T-C. GRCh37 (hg19) VCF-style: chr7-98507964-T-C.
Other names: c.1636T>C, p.Cys546Arg (NM_001244580.2, NM_003496.4); short protein forms C546R.
Identifiers: ClinVar variation 4536209 (VCV004536209.1).